The following is an entry in ClinVar:

NM_001079559.3(HNRNPUL2):c.1113A>G (p.Glu371=)

Genes: HNRNPUL2 (heterogeneous nuclear ribonucleoprotein U like 2; minus strand), HNRNPUL2-BSCL2 (HNRNPUL2-BSCL2 readthrough (NMD candidate); minus strand). Cytogenetic location: 11q12.3.
Variant type: single nucleotide variant.
Coding change: c.1113A>G on transcript NM_001079559.3 (MANE Select); coding-DNA position 1113, A replaced by G.
Protein change: p.Glu371=; no amino-acid change (glutamic acid 371 retained).
Molecular consequence: synonymous variant. On other transcripts: non-coding transcript variant (1).
Genome position (GRCh38, 1-based): chr11:62,722,363, T>C on the plus strand (A>G on the coding strand, the complement: HNRNPUL2 is on the minus strand). VCF-style: chr11-62722363-T-C. GRCh37 (hg19) VCF-style: chr11-62489835-T-C.
Identifiers: ClinVar variation 4981256 (VCV004981256.1).

ClinVar aggregate classification (germline): Likely benign (1 of 4 stars; one submission).

Conditions:
HNRNPUL2-related disorder. Also called: HNRNPUL2-related condition.

gnomAD v4.1: 152 of 1,613,724 alleles (0.0094%); highest among the groups gnomAD compares: Non-Finnish European, 0.013%; no homozygotes.

Submission:

PreventionGenetics, part of Exact Sciences
Classification: Likely benign for HNRNPUL2-related condition. Last evaluated: 2026-03-15. Review status: criteria provided, single submitter. Criteria: ACMG Guidelines, 2015. Collection method: clinical testing. Allele origin: germline.
Comment: This variant is classified as likely benign based on ACMG/AMP sequence variant interpretation guidelines (Richards et al. 2015 PMID: 25741868, with internal and published modifications).